The following is an entry in ClinVar:

ClinVar aggregate classification (germline): Conflicting classifications of pathogenicity. Review status: criteria provided, conflicting classifications (1 of 4 stars). 2 submissions from 2 submitters: Uncertain significance (1); Benign (1). Last evaluated 2025-12-18.

Conditions:
Congenital contractural arachnodactyly (CCA). Also called: Arthrogryposis, distal, type 9; Beals-Hecht syndrome; BEALS SYNDROME. Identifiers: Orphanet 115, MedGen C0220668, MONDO:0007363, OMIM 121050.

Allele frequency attached by ClinVar (database versions not stated): gnomAD 0.00001; gnomAD exomes 0.00001; TOPMed 0.00005.
gnomAD v4.1: 6 of 1,613,744 alleles (0.00037%); highest among the groups gnomAD compares: Admixed American, 0.0067%; no homozygotes.

Submissions (2):

Labcorp Genetics (formerly Invitae), Labcorp
Classification: Benign for Congenital contractural arachnodactyly. Last evaluated: 2025-12-18. Review status: criteria provided, single submitter. Criteria: Invitae Variant Classification Sherloc (09022015). Collection method: clinical testing. Allele origin: germline.

GeneDx
Classification: Uncertain significance. Last evaluated: 2024-05-15. Review status: criteria provided, single submitter. Criteria: GeneDx Variant Classification Process June 2021. Collection method: clinical testing. Allele origin: germline. Affected: yes.
Comment: Has not been previously published as pathogenic or benign to our knowledge; Not observed at significant frequency in large population cohorts (gnomAD); In silico analysis supports that this missense variant has a deleterious effect on protein structure/function; Although located in a calcium-binding EGF-like domain of the FBN2 gene, it does not substitute or introduce a cysteine residue (PMID: 19006240, 18767143); This variant is associated with the following publications: (PMID: 19006240, 18767143)

NM_001999.4(FBN2):c.857T>C (p.Ile286Thr)

Gene: FBN2 (fibrillin 2; minus strand). Cytogenetic location: 5q23.3.
Variant type: single nucleotide variant.
Coding change: c.857T>C on transcript NM_001999.4 (MANE Select); coding-DNA position 857, T replaced by C.
Protein change: p.Ile286Thr; replaces isoleucine 286 with threonine.
Molecular consequence: missense variant.
Genome position (GRCh38, 1-based): chr5:128,446,576, A>G on the plus strand (T>C on the coding strand, the complement: FBN2 is on the minus strand). VCF-style: chr5-128446576-A-G. GRCh37 (hg19) VCF-style: chr5-127782269-A-G.
Other names: c.857T>C (NM_001999.3); short protein forms I286T.
Identifiers: ClinVar variation 2051372 (VCV002051372.5), dbSNP rs913201162, ClinGen allele CA127030153.
Genomic context (GRCh38, chr5:128,446,576, plus strand): 5'-CCAGCAGGGCATCTGCATTCAAAAGAGCCCACTGTATTGATACAGTTTCCTCCTTGGCAT[A>G]TCCCTGGGATAGCCTGGCATTCATCAACATCTGCAAGAAGAAAACATTTTGAACACAGAT-3'
Protein context (NP_001990.2, residues 276-296): DVDECQAIPG[Ile286Thr]CQGGNCINTV